The following is an entry in ClinVar:

NM_000070.3(CAPN3):c.2019dup (p.Lys674fs)

Gene: CAPN3 (calpain 3; plus strand). Cytogenetic location: 15q15.1.
Variant type: Duplication.
Coding change: c.2019dup on transcript NM_000070.3 (MANE Select); coding-DNA position 2019, one base duplicated (C; older notation c.2019dupC).
Protein change: p.Lys674fs; shifts the reading frame from lysine 674.
Molecular consequence: frameshift variant.
Genome position (GRCh38, 1-based): chr15:42,409,813, C duplicated. VCF-style (leftmost placement, unchanged base first): chr15-42409812-T-TC. GRCh37 (hg19) VCF-style: chr15-42702010-T-TC.
Other names: c.2001dup, p.Lys668fs (NM_024344.2); c.1743dup, p.Lys582fs (NM_173087.2); c.483dup, p.Lys162fs (NM_173088.2); c.24dup, p.Lys9fs (NM_173089.2, NM_173090.2); short protein forms K162fs, K582fs, K668fs, K674fs, K9fs.
Identifiers: ClinVar variation 1076819 (VCV001076819.10), dbSNP rs2141221357, ClinGen allele CA2499222919.

ClinVar aggregate classification (germline): Pathogenic (1 of 4 stars; one submission).

Conditions:
Autosomal recessive limb-girdle muscular dystrophy type 2A (LGMDR1). Also called: Limb-girdle muscular dystrophy, type 2A; Calpainopathy; LEYDEN-MOEBIUS MUSCULAR DYSTROPHY; MUSCULAR DYSTROPHY, PELVOFEMORAL; Muscular dystrophy, limb-girdle, type 2A, Amish. Identifiers: Orphanet 267, MedGen C1869123, MONDO:0009675, OMIM 253600. Disease mechanism: loss of function.

Submission:

Labcorp Genetics (formerly Invitae), Labcorp
Classification: Pathogenic for Autosomal recessive limb-girdle muscular dystrophy type 2A. Last evaluated: 2022-11-08. Review status: criteria provided, single submitter. Criteria: Invitae Variant Classification Sherloc (09022015). Collection method: clinical testing. Allele origin: germline.
Comment: For these reasons, this variant has been classified as Pathogenic. ClinVar contains an entry for this variant (Variation ID: 1076819). This variant has not been reported in the literature in individuals affected with CAPN3-related conditions. This variant is not present in population databases (gnomAD no frequency). This sequence change creates a premature translational stop signal (p.Lys674Glnfs*5) in the CAPN3 gene. It is expected to result in an absent or disrupted protein product. Loss-of-function variants in CAPN3 are known to be pathogenic (PMID: 10330340, 15689361).

Literature cited by the submitters: PubMed 10330340; PubMed 15689361.